The following is an entry in ClinVar:

NM_001378454.1(ALMS1):c.8744C>T (p.Ala2915Val)

Gene: ALMS1 (ALMS1 centrosome and basal body associated protein; plus strand). Cytogenetic location: 2p13.1.
Variant type: single nucleotide variant.
Coding change: c.8744C>T on transcript NM_001378454.1 (MANE Select); coding-DNA position 8744, C replaced by T.
Protein change: p.Ala2915Val; replaces alanine 2915 with valine.
Molecular consequence: missense variant.
Genome position (GRCh38, 1-based): chr2:73,490,703, C>T. VCF-style: chr2-73490703-C-T. GRCh37 (hg19) VCF-style: chr2-73717830-C-T.
Other names: c.8747C>T, p.Ala2916Val (NM_015120.4); short protein forms A2916V, A2915V.
Identifiers: ClinVar variation 1970121 (VCV001970121.2), dbSNP rs761704025, ClinGen allele CA1714532.

ClinVar aggregate classification (germline): Uncertain significance (1 of 4 stars; one submission).

Conditions:
Alstrom syndrome (ALMS). Identifiers: Orphanet 64, MedGen C0268425, MONDO:0008763, OMIM 203800.

Allele frequency attached by ClinVar (database versions not stated): ExAC 0.00001; gnomAD exomes 0.00001.
gnomAD v4.1: 3 of 1,614,170 alleles (0.00019%); highest among the groups gnomAD compares: Admixed American, 0.0033%; no homozygotes.

Submission:

Labcorp Genetics (formerly Invitae), Labcorp
Classification: Uncertain significance for Alstrom syndrome. Last evaluated: 2022-08-21. Review status: criteria provided, single submitter. Criteria: Invitae Variant Classification Sherloc (09022015). Collection method: clinical testing. Allele origin: germline.
Comment: This sequence change replaces alanine, which is neutral and non-polar, with valine, which is neutral and non-polar, at codon 2916 of the ALMS1 protein (p.Ala2916Val). This variant is present in population databases (rs761704025, gnomAD 0.006%). This variant has not been reported in the literature in individuals affected with ALMS1-related conditions. Experimental studies and prediction algorithms are not available or were not evaluated, and the functional significance of this variant is currently unknown. In summary, the available evidence is currently insufficient to determine the role of this variant in disease. Therefore, it has been classified as a Variant of Uncertain Significance.